The following is an entry in ClinVar:

NM_007126.5(VCP):c.2333A>G (p.Gln778Arg)

Gene: VCP (valosin containing protein; minus strand). Cytogenetic location: 9p13.3.
Variant type: single nucleotide variant.
Coding change: c.2333A>G on transcript NM_007126.5 (MANE Select); coding-DNA position 2333, A replaced by G.
Protein change: p.Gln778Arg; replaces glutamine 778 with arginine.
Molecular consequence: missense variant.
Genome position (GRCh38, 1-based): chr9:35,057,205, T>C on the plus strand (A>G on the coding strand, the complement: VCP is on the minus strand). VCF-style: chr9-35057205-T-C. GRCh37 (hg19) VCF-style: chr9-35057202-T-C.
Other names: c.2198A>G, p.Gln733Arg (NM_001354927.2, NM_001354928.2); short protein forms Q733R, Q778R.
Identifiers: ClinVar variation 3906351 (VCV003906351.1).

ClinVar aggregate classification (germline): Uncertain significance (1 of 4 stars; one submission).

Submission:

GeneDx
Classification: Uncertain significance. Last evaluated: 2024-12-19. Review status: criteria provided, single submitter. Criteria: GeneDx Variant Classification Process June 2021. Collection method: clinical testing. Allele origin: germline. Affected: yes.
Comment: Not observed at significant frequency in large population cohorts (gnomAD); In silico analysis indicates that this missense variant does not alter protein structure/function; Has not been previously published as pathogenic or benign to our knowledge